The following is an entry in ClinVar:

NM_001379500.1(COL18A1):c.2525del (p.Pro842fs)

Gene: COL18A1 (collagen type XVIII alpha 1 chain; plus strand). Cytogenetic location: 21q22.3.
Variant type: Deletion.
Coding change: c.2525del on transcript NM_001379500.1 (MANE Select); coding-DNA position 2525, one base deleted (C; older notation c.2525delC).
Protein change: p.Pro842fs; shifts the reading frame from proline 842.
Molecular consequence: frameshift variant.
Genome position (GRCh38, 1-based): chr21:45,496,516, C deleted; the last of 6 consecutive C bases (chr21:45,496,511-45,496,516); deleting any one gives the same sequence. VCF-style (leftmost placement, unchanged base first): chr21-45496510-GC-G. GRCh37 (hg19) VCF-style: chr21-46916424-GC-G.
Other names: c.3065del, p.Pro1022fs (NM_030582.4); c.3770del, p.Pro1257fs (NM_130444.3); short protein forms P1022fs, P1257fs, P842fs.
Identifiers: ClinVar variation 1444038 (VCV001444038.6), dbSNP rs2146009153, ClinGen allele CA645603263.

ClinVar aggregate classification (germline): Pathogenic (1 of 4 stars; one submission).

Submission:

Labcorp Genetics (formerly Invitae), Labcorp
Classification: Pathogenic. Last evaluated: 2020-11-10. Review status: criteria provided, single submitter. Criteria: Invitae Variant Classification Sherloc (09022015). Collection method: clinical testing. Allele origin: germline.
Comment: For these reasons, this variant has been classified as Pathogenic. This sequence change creates a premature translational stop signal (p.Pro842Glnfs*67) in the COL18A1 gene. It is expected to result in an absent or disrupted protein product. Loss-of-function variants in COL18A1 are known to be pathogenic (PMID: 12415512, 25456301). This variant is not present in population databases (ExAC no frequency). This variant has not been reported in the literature in individuals with COL18A1-related conditions.

Literature cited by the submitters: PubMed 12415512; PubMed 25456301.